The following is an entry in ClinVar:

ClinVar aggregate classification (germline): Uncertain significance (1 of 4 stars; one submission).

Allele frequency attached by ClinVar (database versions not stated): gnomAD 0.00001.
gnomAD v4.1: 1 of 1,614,024 alleles (0.000062%); highest among the groups gnomAD compares: African/African-American, 0.0013%; no homozygotes.

Submission:

GeneDx
Classification: Uncertain significance. Last evaluated: 2025-09-16. Review status: criteria provided, single submitter. Criteria: GeneDx Variant Classification Process June 2021. Collection method: clinical testing. Allele origin: germline. Affected: yes.
Comment: In silico analysis supports that this missense variant has a deleterious effect on protein structure/function; Has not been previously published as pathogenic or benign to our knowledge; Not observed at significant frequency in large population cohorts (gnomAD)

NM_005909.5(MAP1B):c.602T>C (p.Leu201Pro)

Gene: MAP1B (microtubule associated protein 1B; plus strand). Cytogenetic location: 5q13.2.
Variant type: single nucleotide variant.
Coding change: c.602T>C on transcript NM_005909.5 (MANE Select); coding-DNA position 602, T replaced by C.
Protein change: p.Leu201Pro; replaces leucine 201 with proline.
Molecular consequence: missense variant.
Genome position (GRCh38, 1-based): chr5:72,193,957, T>C. VCF-style: chr5-72193957-T-C. GRCh37 (hg19) VCF-style: chr5-71489784-T-C.
Other names: c.224T>C, p.Leu75Pro (NM_001324255.2); short protein forms L201P, L75P.
Identifiers: ClinVar variation 1695649 (VCV001695649.3), dbSNP rs1405188272, ClinGen allele CA359993402.
Genomic context (GRCh38, chr5:72,193,957, plus strand): 5'-CCAACAAAGCCAGCTTAACCCTGTTCTGTCCTGAAGAAGGGGACTGGAAGAACTCCAATC[T>C]TGACAGACACAATCTCCAAGACTTCATCAATATTAAACTCAATTCAGCTTCTATCTTGCC-3'
Protein context (NP_005900.2, residues 191-211): PEEGDWKNSN[Leu201Pro]DRHNLQDFIN